The following is an entry in ClinVar:

ClinVar aggregate classification (germline): Conflicting classifications of pathogenicity. Review status: criteria provided, conflicting classifications (1 of 4 stars). 4 submissions from 4 submitters: Uncertain significance (3); Likely benign (1). Last evaluated 2025-07-22.

Conditions:
Cardiovascular phenotype. Identifiers: MedGen CN230736.
Cardiomyopathy (CMYO). Also called: Cardiomyopathies. Identifiers: Orphanet 167848, MedGen C0878544, MONDO:0004994, HP:0001638. Inheritance: Various modes of inheritance.
Long QT syndrome (LQTS). Identifiers: MedGen C0023976, MeSH D008133, MONDO:0002442. Disease mechanism: loss of function. Inheritance: Various modes of inheritance.
Catecholaminergic polymorphic ventricular tachycardia 1. Also called: VENTRICULAR TACHYCARDIA, CATECHOLAMINERGIC POLYMORPHIC, 1, WITH OR WITHOUT ATRIAL DYSFUNCTION AND/OR DILATED CARDIOMYOPATHY; RYR2-Related Catecholaminergic Polymorphic Ventricular Tachycardia; VENTRICULAR TACHYCARDIA, STRESS-INDUCED POLYMORPHIC 1. Identifiers: Orphanet 3286, MedGen C1631597, MONDO:0011484, OMIM 604772.

Allele frequency attached by ClinVar (database versions not stated): gnomAD 0.00001; TOPMed 0.00002.
gnomAD v4.1: 1 of 1,613,498 alleles (0.000062%); highest among the groups gnomAD compares: African/African-American, 0.0013%; no homozygotes.

Submissions (4):

Ambry Genetics
Classification: Uncertain significance for Cardiovascular phenotype. Last evaluated: 2025-07-22. Review status: criteria provided, single submitter. Criteria: Ambry Variant Classification Scheme 2023. Collection method: clinical testing. Allele origin: germline.
Comment: The p.Q1917H variant (also known as c.5751G>T), located in coding exon 38 of the RYR2 gene, results from a G to T substitution at nucleotide position 5751. The glutamine at codon 1917 is replaced by histidine, an amino acid with highly similar properties. This amino acid position is well conserved in available vertebrate species. In addition, the in silico prediction for this alteration is inconclusive. Based on the available evidence, the clinical significance of this variant remains unclear.

Labcorp Genetics (formerly Invitae), Labcorp
Classification: Likely benign for Catecholaminergic polymorphic ventricular tachycardia 1. Last evaluated: 2024-12-16. Review status: criteria provided, single submitter. Criteria: Invitae Variant Classification Sherloc (09022015). Collection method: clinical testing. Allele origin: germline.

Color Diagnostics, LLC DBA Color Health
Classification: Uncertain significance for Cardiomyopathy. Last evaluated: 2024-03-06. Review status: criteria provided, single submitter. Criteria: ACMG Guidelines, 2015. Collection method: clinical testing. Allele origin: germline.
Comment: This missense variant replaces glutamine with histidine at codon 1917 of the RYR2 protein. Computational prediction suggests that this variant may not impact protein structure and function (internally defined REVEL score threshold <= 0.5, PMID: 27666373). Splice site prediction tools suggest that this variant may not impact RNA splicing. To our knowledge, functional studies have not been performed for this variant. This variant has not been reported in individuals affected with cardiovascular disorders in the literature. This variant has been identified in 1/31404 chromosomes in the general population by the Genome Aggregation Database (gnomAD). The available evidence is insufficient to determine the role of this variant in disease conclusively. Therefore, this variant is classified as a Variant of Uncertain Significance.

Dept of Medical Biology, Uskudar University
Classification: Uncertain significance for Long QT syndrome. Last evaluated: 2024-01-08. Review status: criteria provided, single submitter. Criteria: Dept of Medical Biology Variant Classification. Collection method: research. Allele origin: unknown. Affected: yes. Observed: 1 variant allele.
Comment: Criteria: PM2, PP2

NM_001035.3(RYR2):c.5751G>T (p.Gln1917His)

Gene: RYR2 (ryanodine receptor 2; plus strand). Cytogenetic location: 1q43.
Variant type: single nucleotide variant.
Coding change: c.5751G>T on transcript NM_001035.3 (MANE Select); coding-DNA position 5751, G replaced by T.
Protein change: p.Gln1917His; replaces glutamine 1917 with histidine.
Molecular consequence: missense variant.
Genome position (GRCh38, 1-based): chr1:237,617,321, G>T. VCF-style: chr1-237617321-G-T. GRCh37 (hg19) VCF-style: chr1-237780621-G-T.
Other names: c.5751G>T (NM_001035.2); short protein forms Q1917H.
Identifiers: ClinVar variation 920506 (VCV000920506.18), dbSNP rs1259517167, ClinGen allele CA345406889.
Genomic context (GRCh38, chr1:237,617,321, plus strand): 5'-TGGTGTCTTTTTAATGGTCTCTTAGATGTGCCTACTGCTTCAGTACCTCTGTGACTGCCA[G>T]GTCCGGCACCGGATAGAAGCCATTGTAGCCTTTTCAGATGATTTTGTGGCTAAGCTCCAA-3'
Protein context (NP_001026.2, residues 1907-1927): CLLLQYLCDC[Gln1917His]VRHRIEAIVA